The following is an entry in ClinVar:

NM_001111125.3(IQSEC2):c.1657C>T (p.Pro553Ser)

Gene: IQSEC2 (IQ motif and Sec7 domain ArfGEF 2; minus strand). Cytogenetic location: Xp11.22.
Variant type: single nucleotide variant.
Coding change: c.1657C>T on transcript NM_001111125.3 (MANE Select); coding-DNA position 1657, C replaced by T.
Protein change: p.Pro553Ser; replaces proline 553 with serine.
Molecular consequence: missense variant.
Genome position (GRCh38, 1-based): chrX:53,250,919, G>A on the plus strand (C>T on the coding strand, the complement: IQSEC2 is on the minus strand). VCF-style: chrX-53250919-G-A. GRCh37 (hg19) VCF-style: chrX-53280101-G-A.
Other names: c.1042C>T, p.Pro348Ser (NM_015075.2); short protein forms P553S, P348S.
Identifiers: ClinVar variation 452202 (VCV000452202.5), dbSNP rs781876521, ClinGen allele CA10420019.

ClinVar aggregate classification (germline): Conflicting classifications of pathogenicity. Review status: criteria provided, conflicting classifications (1 of 4 stars). 2 submissions from 2 submitters: Uncertain significance (1); Likely benign (1). Last evaluated 2023-04-12.

Conditions:
Intellectual developmental disorder, X-linked 1. Also called: Intellectual disability, X-linked 1; Atkin Flaitz Patil Smith syndrome; MENTAL RETARDATION, X-LINKED 18; MENTAL RETARDATION, X-LINKED 78. Identifiers: Orphanet 777, MedGen C2931498, MONDO:0010656, OMIM 309530.

Allele frequency attached by ClinVar (database versions not stated): ExAC 0.00002; gnomAD exomes 0.00001 and 0.00002.
gnomAD v4.1: 4 of 1,210,417 alleles (0.00033%); highest among the groups gnomAD compares: Non-Finnish European, 0.00045%; no homozygotes.

Submissions (2):

Labcorp Genetics (formerly Invitae), Labcorp
Classification: Likely benign for Intellectual developmental disorder, X-linked 1. Last evaluated: 2023-04-12. Review status: criteria provided, single submitter. Criteria: Invitae Variant Classification Sherloc (09022015). Collection method: clinical testing. Allele origin: germline.

GeneDx
Classification: Uncertain significance. Last evaluated: 2017-09-21. Review status: criteria provided, single submitter. Criteria: GeneDx Variant Classification (06012015). Collection method: clinical testing. Allele origin: germline. Affected: yes.
Comment: A variant of uncertain significance has been identified in the IQSEC2 gene. The P553S variant has not been published as a pathogenic variant, nor has it been reported as a benign variant to our knowledge. The P553S variant is observed in 2/44039 (0.004%) alleles from individuals of European background (Lek et al., 2016). The P553S variant is a non-conservative amino acid substitution, which is likely to impact secondary protein structure as these residues differ in polarity, charge, size and/or other properties. Additionally, this substitution occurs at a position that is conserved across species, and in silico analysis predicts this variant is probably damaging to the protein structure/function. Therefore, based on the currently available information, it is unclear whether this variant is a pathogenic variant or a rare benign variant.